The following is an entry in ClinVar:

NM_001190738.2(NFIB):c.1A>T (p.Met1Leu)

Gene: NFIB (nuclear factor I B; minus strand). Cytogenetic location: 9p22.3.
Variant type: single nucleotide variant.
Coding change: c.1A>T on transcript NM_001190738.2; coding-DNA position 1, A replaced by T.
Protein change: p.Met1Leu; changes the start codon (methionine 1).
Molecular consequence: missense variant, initiator codon variant. On other transcripts: intron variant (4).
Genome position (GRCh38, 1-based): chr9:14,398,631, T>A on the plus strand (A>T on the coding strand, the complement: NFIB is on the minus strand). VCF-style: chr9-14398631-T-A. GRCh37 (hg19) VCF-style: chr9-14398630-T-A.
Other names: c.97-91111A>T (NM_001369468.1, NM_001369462.1, NM_001369459.1 and 1 more transcripts); short protein forms M1L.
Identifiers: ClinVar variation 2230844 (VCV002230844.3), dbSNP rs1041889853, ClinGen allele CA373092728.

ClinVar aggregate classification (germline): Uncertain significance (1 of 4 stars; one submission).

Conditions:
Inborn genetic diseases. Identifiers: MedGen C0950123, MeSH D030342.

Submission:

Ambry Genetics
Classification: Uncertain significance for Inborn genetic diseases. Last evaluated: 2021-05-03. Review status: criteria provided, single submitter. Criteria: Ambry Variant Classification Scheme 2023. Collection method: clinical testing. Allele origin: germline.
Comment: The c.1A>T (p.M1?) alteration is located in coding exon 1 of the NFIB gene and consists of a A to T substitution at nucleotide position 1. This alters the methionine residue at the initiation codon (ATG). Based on insufficient or conflicting evidence, the clinical significance of this alteration remains unclear.